The following is an entry in ClinVar:

ClinVar aggregate classification (germline): Pathogenic. Review status: criteria provided, multiple submitters, no conflicts (2 of 4 stars). 2 submissions from 2 submitters: Pathogenic (2). Last evaluated 2024-04-04.

Conditions:
Neurofibromatosis, type 1 (NF1). Also called: VON RECKLINGHAUSEN DISEASE; Peripheral type neurofibromatosis; NEUROFIBROMATOSIS, TYPE I, SOMATIC; Neurofibromatosis, type I. Identifiers: Orphanet 636, MedGen C0027831, MONDO:0018975, OMIM 162200. Disease mechanism: loss of function.

Submissions (2):

Labcorp Genetics (formerly Invitae), Labcorp
Classification: Pathogenic for Neurofibromatosis, type 1. Last evaluated: 2024-04-04. Review status: criteria provided, single submitter. Criteria: Invitae Variant Classification Sherloc (09022015). Collection method: clinical testing. Allele origin: germline.
Comment: This sequence change affects a donor splice site in intron 31 of the NF1 gene. It is expected to disrupt RNA splicing. Variants that disrupt the donor or acceptor splice site typically lead to a loss of protein function (PMID: 16199547), and loss-of-function variants in NF1 are known to be pathogenic (PMID: 10712197, 23913538). This variant is not present in population databases (gnomAD no frequency). Disruption of this splice site has been observed in individual(s) with neurofibromatosis type 1 (PMID: 28961165). ClinVar contains an entry for this variant (Variation ID: 1457886). Algorithms developed to predict the effect of sequence changes on RNA splicing suggest that this variant may disrupt the consensus splice site. For these reasons, this variant has been classified as Pathogenic.

Clinical Genetics Service, Universitary Hospital 12 de Octubre
Classification: Pathogenic for Neurofibromatosis, type 1. Review status: criteria provided, single submitter. Criteria: ACMG Guidelines, 2015. Collection method: clinical testing. Allele origin: germline. Affected: yes.

Literature cited by the submitters: PubMed 16199547 (cited by Labcorp Genetics (formerly Invitae), Labcorp); PubMed 10712197 (cited by Labcorp Genetics (formerly Invitae), Labcorp); PubMed 23913538 (cited by Labcorp Genetics (formerly Invitae), Labcorp); PubMed 28961165 (cited by Labcorp Genetics (formerly Invitae), Labcorp).

NM_001042492.3(NF1):c.4332+1G>C

Gene: NF1 (neurofibromin 1; plus strand). Cytogenetic location: 17q11.2.
Variant type: single nucleotide variant.
Coding change: c.4332+1G>C on transcript NM_001042492.3 (MANE Select); the canonical splice donor site of the intron after coding-DNA position 4332, G replaced by C.
Molecular consequence: splice donor variant.
Genome position (GRCh38, 1-based): chr17:31,258,503, G>C. VCF-style: chr17-31258503-G-C. GRCh37 (hg19) VCF-style: chr17-29585521-G-C.
Other names: c.4269+1G>C (NM_000267.4).
Identifiers: ClinVar variation 1457886 (VCV001457886.9), dbSNP rs1555618572, ClinGen allele CA398998183.